The following is an entry in ClinVar:

ClinVar aggregate classification (germline): Uncertain significance (1 of 4 stars; one submission).

gnomAD v4.1: 2 of 1,612,728 alleles (0.00012%); highest among the groups gnomAD compares: Non-Finnish European, 0.00017%; no homozygotes.

Submission:

Labcorp Genetics (formerly Invitae), Labcorp
Classification: Uncertain significance. Last evaluated: 2024-10-19. Review status: criteria provided, single submitter. Criteria: Invitae Variant Classification Sherloc (09022015). Collection method: clinical testing. Allele origin: germline.
Comment: This sequence change affects a donor splice site in intron 7 of the MYLK3 gene. It is expected to disrupt RNA splicing. Variants that disrupt the donor or acceptor splice site typically lead to a loss of protein function (PMID: 16199547), however the current clinical and genetic evidence is not sufficient to establish whether loss-of-function variants in MYLK3 cause disease. This variant is not present in population databases (gnomAD no frequency). This variant has not been reported in the literature in individuals affected with MYLK3-related conditions. Algorithms developed to predict the effect of sequence changes on RNA splicing suggest that this variant may disrupt the consensus splice site. In summary, the available evidence is currently insufficient to determine the role of this variant in disease. Therefore, it has been classified as a Variant of Uncertain Significance.

Literature cited by the submitters: PubMed 16199547.

NM_182493.3(MYLK3):c.1772+2T>A

Gene: MYLK3 (myosin light chain kinase 3; minus strand). Cytogenetic location: 16q11.2.
Variant type: single nucleotide variant.
Coding change: c.1772+2T>A on transcript NM_182493.3 (MANE Select); the canonical splice donor site of the intron after coding-DNA position 1772, T replaced by A.
Molecular consequence: splice donor variant.
Genome position (GRCh38, 1-based): chr16:46,729,022, A>T on the plus strand (T>A on the coding strand, the complement: MYLK3 is on the minus strand). VCF-style: chr16-46729022-A-T. GRCh37 (hg19) VCF-style: chr16-46762934-A-T.
Other names: c.749+2T>A (NM_001308301.1).
Identifiers: ClinVar variation 2721201 (VCV002721201.2), dbSNP rs1369418137, ClinGen allele CA395790041.